The following is an entry in ClinVar:

NM_000254.3(MTR):c.1954-6A>G

Gene: MTR (5-methyltetrahydrofolate-homocysteine methyltransferase; plus strand). Cytogenetic location: 1q43.
Variant type: single nucleotide variant.
Coding change: c.1954-6A>G on transcript NM_000254.3 (MANE Select); 6 bases into the intron before coding-DNA position 1954, A replaced by G.
Molecular consequence: intron variant.
Genome position (GRCh38, 1-based): chr1:236,859,827, A>G. VCF-style: chr1-236859827-A-G. GRCh37 (hg19) VCF-style: chr1-237023127-A-G.
Other names: c.1954-6A>G (NM_001291939.1); c.733-6A>G (NM_001291940.2).
Identifiers: ClinVar variation 534571 (VCV000534571.6), dbSNP rs1553321372, ClinGen allele CA658795621.
Genomic context (GRCh38, chr1:236,859,827, plus strand): 5'-TTTTGCCATCAAACAGTTTGGTTAGTGATGAGTTGTATCCATTTCTTGGTTTCAATTTCA[A>G]TTCAGACTCAAGGCACAGGAGGGAAGAAAGTCATTCAGACTGATGAGTGGAGAAATGGCC-3'

ClinVar aggregate classification (germline): Uncertain significance (1 of 4 stars; one submission).

Conditions:
Methylcobalamin deficiency type cblG (HMAG). Also called: HOMOCYSTINURIA-MEGALOBLASTIC ANEMIA, cblG COMPLEMENTATION TYPE; Functional methionine synthase deficiency type cblG; HOMOCYSTINURIA-MEGALOBLASTIC ANEMIA, cblG TYPE; HOMOCYSTINURIA-MEGALOBLASTIC ANEMIA DUE TO DEFECT IN COBALAMIN METABOLISM, cblG COMPLEMENTATION TYPE. Identifiers: Orphanet 2170, Orphanet 622, MedGen C1855128, MONDO:0009609, OMIM 250940.

Allele frequency attached by ClinVar (database versions not stated): gnomAD 0.00001.
gnomAD v4.1: 3 of 1,612,894 alleles (0.00019%); highest among the groups gnomAD compares: Non-Finnish European, 0.00025%; no homozygotes.

Submission:

Labcorp Genetics (formerly Invitae), Labcorp
Classification: Uncertain significance for Methylcobalamin deficiency type cblG. Last evaluated: 2021-09-01. Review status: criteria provided, single submitter. Criteria: Invitae Variant Classification Sherloc (09022015). Collection method: clinical testing. Allele origin: germline.
Comment: This sequence change falls in intron 18 of the MTR gene. It does not directly change the encoded amino acid sequence of the MTR protein. This variant is not present in population databases (ExAC no frequency). This variant has not been reported in the literature in individuals affected with MTR-related conditions. Algorithms developed to predict the effect of sequence changes on RNA splicing suggest that this variant may disrupt the consensus splice site. In summary, the available evidence is currently insufficient to determine the role of this variant in disease. Therefore, it has been classified as a Variant of Uncertain Significance.